The following is an entry in ClinVar:

NM_018646.6(TRPV6):c.2084G>A (p.Gly695Asp)

Gene: TRPV6 (transient receptor potential cation channel subfamily V member 6; minus strand). Cytogenetic location: 7q34.
Variant type: single nucleotide variant.
Coding change: c.2084G>A on transcript NM_018646.6 (MANE Select); coding-DNA position 2084, G replaced by A.
Protein change: p.Gly695Asp; replaces glycine 695 with aspartic acid.
Molecular consequence: missense variant.
Genome position (GRCh38, 1-based): chr7:142,871,921, C>T on the plus strand (G>A on the coding strand, the complement: TRPV6 is on the minus strand). VCF-style: chr7-142871921-C-T. GRCh37 (hg19) VCF-style: chr7-142569674-C-T.
Other names: short protein forms G695D.
Identifiers: ClinVar variation 4710336 (VCV004710336.1).

ClinVar aggregate classification (germline): Uncertain significance (1 of 4 stars; one submission).

Submission:

Labcorp Genetics (formerly Invitae), Labcorp
Classification: Uncertain significance. Last evaluated: 2025-12-15. Review status: criteria provided, single submitter. Criteria: Invitae Variant Classification Sherloc (09022015). Collection method: clinical testing. Allele origin: germline.
Comment: This sequence change replaces glycine, which is neutral and non-polar, with aspartic acid, which is acidic and polar, at codon 695 of the TRPV6 protein (p.Gly695Asp). This variant is not present in population databases (gnomAD no frequency). This variant has not been reported in the literature in individuals affected with TRPV6-related conditions. An algorithm developed to predict the effect of missense changes on protein structure and function outputs the following: PolyPhen-2: "Not Available". The aspartic acid amino acid residue is found in multiple mammalian species, which suggests that this missense change does not adversely affect protein function. In summary, the available evidence is currently insufficient to determine the role of this variant in disease. Therefore, it has been classified as a Variant of Uncertain Significance.